The following is an entry in ClinVar:

ClinVar aggregate classification (germline): Uncertain significance (1 of 4 stars; one submission).

Conditions:
Developmental and epileptic encephalopathy, 23 (DEE23). Also called: Epileptic encephalopathy, early infantile, 23. Identifiers: Orphanet 411986, MedGen C4014492, MONDO:0014371, OMIM 615859.

Allele frequency attached by ClinVar (database versions not stated): gnomAD exomes below 0.00001.
gnomAD v4.1: 2 of 1,559,450 alleles (0.00013%); highest among the groups gnomAD compares: Non-Finnish European, 0.000087%; no homozygotes.

Submission:

Labcorp Genetics (formerly Invitae), Labcorp
Classification: Uncertain significance for Developmental and epileptic encephalopathy, 23. Last evaluated: 2022-02-03. Review status: criteria provided, single submitter. Criteria: Invitae Variant Classification Sherloc (09022015). Collection method: clinical testing. Allele origin: germline.
Comment: This sequence change replaces glycine, which is neutral and non-polar, with serine, which is neutral and polar, at codon 1780 of the DOCK7 protein (p.Gly1780Ser). This variant is not present in population databases (gnomAD no frequency). This variant has not been reported in the literature in individuals affected with DOCK7-related conditions. ClinVar contains an entry for this variant (Variation ID: 1025045). Algorithms developed to predict the effect of missense changes on protein structure and function are either unavailable or do not agree on the potential impact of this missense change (SIFT: "Tolerated"; PolyPhen-2: "Possibly Damaging"; Align-GVGD: "Class C0"). In summary, the available evidence is currently insufficient to determine the role of this variant in disease. Therefore, it has been classified as a Variant of Uncertain Significance.

NM_001367561.1(DOCK7):c.5365G>A (p.Gly1789Ser)

Gene: DOCK7 (dedicator of cytokinesis 7; minus strand). Cytogenetic location: 1p31.3.
Variant type: single nucleotide variant.
Coding change: c.5365G>A on transcript NM_001367561.1 (MANE Select); coding-DNA position 5365, G replaced by A.
Protein change: p.Gly1789Ser; replaces glycine 1789 with serine.
Molecular consequence: missense variant.
Genome position (GRCh38, 1-based): chr1:62,489,062, C>T on the plus strand (G>A on the coding strand, the complement: DOCK7 is on the minus strand). VCF-style: chr1-62489062-C-T. GRCh37 (hg19) VCF-style: chr1-62954733-C-T.
Other names: c.5338G>A, p.Gly1780Ser (NM_001271999.2, NM_001330614.2); c.5245G>A, p.Gly1749Ser (NM_001272000.2, NM_001272001.2); c.5272G>A, p.Gly1758Ser (NM_033407.4); short protein forms G1749S, G1758S, G1780S, G1789S.
Identifiers: ClinVar variation 1025045 (VCV001025045.4), dbSNP rs1646380988, ClinGen allele CA340609529.
Genomic context (GRCh38, chr1:62,489,062, plus strand): 5'-GATTAGCTTCATGAATAGGAATAAGTACTTTGTAAACTTCATTAACTGCTTCATACATGC[C>T]AGCCTATAAGAAAAAATTTTGTTAAGATGTTGCTTTCTTTTACATCAATAAGAAAGAAAA-3'
Protein context (NP_001354490.1, residues 1779-1799): EQAAASFSMA[Gly1789Ser]MYEAVNEVYK